The following is an entry in ClinVar:

ClinVar aggregate classification (germline): Likely benign (0 of 4 stars; one submission).

Conditions:
GLI2-related disorder. Also called: GLI2-related disorders; GLI2-related condition.

Allele frequency attached by ClinVar (database versions not stated): TOPMed 0.00001; ExAC 0.00002.

Submission:

PreventionGenetics, part of Exact Sciences
Classification: Likely benign for GLI2-related condition. Last evaluated: 2021-01-11. Review status: no assertion criteria provided. Collection method: clinical testing. Allele origin: germline.
Comment: This variant is classified as likely benign based on ACMG/AMP sequence variant interpretation guidelines (Richards et al. 2015 PMID: 25741868, with internal and published modifications).

NM_001374353.1(GLI2):c.846-7G>A

Gene: GLI2 (GLI family zinc finger 2; plus strand). Cytogenetic location: 2q14.2.
Variant type: single nucleotide variant.
Coding change: c.846-7G>A on transcript NM_001374353.1 (MANE Select); 7 bases into the intron before coding-DNA position 846, G replaced by A.
Molecular consequence: intron variant.
Genome position (GRCh38, 1-based): chr2:120,970,386, G>A. VCF-style: chr2-120970386-G-A. GRCh37 (hg19) VCF-style: chr2-121727962-G-A.
Other names: c.846-7G>A (NM_001371271.1, NM_005270.5); c.471-7G>A (NM_001374354.1).
Identifiers: ClinVar variation 3031553 (VCV003031553.2), dbSNP rs750821749, ClinGen allele CA1851698.